The following is an entry in ClinVar:

ClinVar aggregate classification (germline): Uncertain significance (1 of 4 stars; one submission).

Conditions:
Epidermolysis bullosa simplex with nail dystrophy (EBS5D). Identifiers: MedGen C4225309, MONDO:0014661, OMIM 616487.
Epidermolysis bullosa simplex, Ogna type (EBS5A). Also called: EPIDERMOLYSIS BULLOSA SIMPLEX 5A, OGNA TYPE; Pidermolysis bullosa simplex 5A, Ogna type. Identifiers: Orphanet 79401, MedGen C0432317, MONDO:0007555, OMIM 131950.
Autosomal recessive limb-girdle muscular dystrophy type 2Q (LGMDR17). Also called: MUSCULAR DYSTROPHY, LIMB-GIRDLE, AUTOSOMAL RECESSIVE 17. Identifiers: Orphanet 254361, MedGen C3150989, MONDO:0013390, OMIM 613723.
Epidermolysis bullosa simplex 5B, with muscular dystrophy (EBS5B). Also called: EPIDERMOLYSIS BULLOSA SIMPLEX AND LIMB-GIRDLE MUSCULAR DYSTROPHY; Epidermolysis bullosa simplex with muscular dystrophy. Identifiers: Orphanet 257, MedGen C2931072, MONDO:0009181, OMIM 226670.
Epidermolysis bullosa simplex 5C, with pyloric atresia (EBS5C). Also called: PLEC-Related Epidermolysis Bullosa with Pyloric Atresia; Epidermolysis bullosa simplex with pyloric atresia; PLEC1-Related Epidermolysis Bullosa with Pyloric Atresia. Identifiers: Orphanet 158684, MedGen C2677349, MONDO:0012807, OMIM 612138.

Submission:

Labcorp Genetics (formerly Invitae), Labcorp
Classification: Uncertain significance for Autosomal recessive limb-girdle muscular dystrophy type 2Q; Epidermolysis bullosa simplex, Ogna type; Epidermolysis bullosa simplex with nail dystrophy; Epidermolysis bullosa simplex 5C, with pyloric atresia; Epidermolysis bullosa simplex 5B, with muscular dystrophy. Last evaluated: 2025-10-23. Review status: criteria provided, single submitter. Criteria: Invitae Variant Classification Sherloc (09022015). Collection method: clinical testing. Allele origin: germline.
Comment: This sequence change replaces glutamic acid, which is acidic and polar, with aspartic acid, which is acidic and polar, at codon 1819 of the PLEC protein (p.Glu1819Asp). This variant is not present in population databases (gnomAD no frequency). This variant has not been reported in the literature in individuals affected with PLEC-related conditions. Invitae Evidence Modeling of protein sequence and biophysical properties (such as structural, functional, and spatial information, amino acid conservation, physicochemical variation, residue mobility, and thermodynamic stability) has been performed for this missense variant. However, the output from this modeling did not meet the statistical confidence thresholds required to predict the impact of this variant on PLEC protein function. In summary, the available evidence is currently insufficient to determine the role of this variant in disease. Therefore, it has been classified as a Variant of Uncertain Significance.

NM_201384.3(PLEC):c.5376G>C (p.Glu1792Asp)

Gene: PLEC (plectin; minus strand). Cytogenetic location: 8q24.3.
Variant type: single nucleotide variant.
Coding change: c.5376G>C on transcript NM_201384.3 (MANE Select); coding-DNA position 5376, G replaced by C.
Protein change: p.Glu1792Asp; replaces glutamic acid 1792 with aspartic acid.
Molecular consequence: missense variant. On other transcripts: intron variant (1).
Genome position (GRCh38, 1-based): chr8:143,924,553, C>G on the plus strand (G>C on the coding strand, the complement: PLEC is on the minus strand). VCF-style: chr8-143924553-C-G. GRCh37 (hg19) VCF-style: chr8-144998721-C-G.
Other names: c.5457G>C, p.Glu1819Asp (NM_000445.5); c.5334G>C, p.Glu1778Asp (NM_201378.4); c.5310G>C, p.Glu1770Asp (NM_201379.3); c.5787G>C, p.Glu1929Asp (NM_201380.4); c.5280G>C, p.Glu1760Asp (NM_201381.3); c.5376G>C, p.Glu1792Asp (NM_201382.4); c.5388G>C, p.Glu1796Asp (NM_201383.3); c.4126-2158G>C (NM_001410941.1); short protein forms E1819D, E1770D, E1778D, E1760D, E1929D, E1792D, E1796D.
Identifiers: ClinVar variation 4792520 (VCV004792520.1).